The following is an entry in ClinVar:

NM_017721.5(CC2D1A):c.2405C>T (p.Thr802Met)

Gene: CC2D1A (coiled-coil and C2 domain containing 1A; plus strand). Cytogenetic location: 19p13.12.
Variant type: single nucleotide variant.
Coding change: c.2405C>T on transcript NM_017721.5 (MANE Select); coding-DNA position 2405, C replaced by T.
Protein change: p.Thr802Met; replaces threonine 802 with methionine.
Molecular consequence: missense variant.
Genome position (GRCh38, 1-based): chr19:13,927,981, C>T. VCF-style: chr19-13927981-C-T. GRCh37 (hg19) VCF-style: chr19-14038794-C-T.
Other names: c.2405C>T, p.Thr802Met (NM_001411138.1); short protein forms T802M.
Identifiers: ClinVar variation 1790785 (VCV001790785.7), dbSNP rs527316620, ClinGen allele CA9245056.

ClinVar aggregate classification (germline): Uncertain significance. Review status: criteria provided, multiple submitters, no conflicts (2 of 4 stars). 3 submissions from 3 submitters: Uncertain significance (3). Last evaluated 2024-07-17.

Conditions:
Inborn genetic diseases. Identifiers: MedGen C0950123, MeSH D030342.
Intellectual developmental disorder, autosomal recessive 3. Also called: Intellectual disability, autosomal recessive 3. Identifiers: Orphanet 88616, MedGen C1838023, MONDO:0012037, OMIM 608443.

Allele frequency attached by ClinVar (database versions not stated): TOPMed 0.00008; 1000 Genomes Project 0.00020; gnomAD exomes 0.00005; gnomAD 0.00005; ExAC 0.00012; 1000 Genomes Project 30x 0.00016.
gnomAD v4.1: 79 of 1,613,692 alleles (0.0049%); highest among the groups gnomAD compares: Middle Eastern, 0.033%; no homozygotes.

Submissions (3):

Blueprint Genetics
Classification: Uncertain significance. Last evaluated: 2024-07-17. Review status: criteria provided, single submitter. Criteria: ACMG Guidelines, 2015. Collection method: clinical testing. Allele origin: germline.

Ambry Genetics
Classification: Uncertain significance for Inborn genetic diseases. Last evaluated: 2021-07-09. Review status: criteria provided, single submitter. Criteria: Ambry Variant Classification Scheme 2023. Collection method: clinical testing. Allele origin: germline.

ARUP Laboratories, Molecular Genetics and Genomics, ARUP Laboratories
Classification: Uncertain significance for Intellectual developmental disorder, autosomal recessive 3. Review status: criteria provided, single submitter. Criteria: ARUP Molecular Germline Variant Investigation Process 2024. Collection method: clinical testing. Allele origin: germline.
Comment: The CC2D1A c.2405C>T; p.Thr802Met variant (rs527316620), to our knowledge, is not reported in the medical literature but is reported in ClinVar (Variation ID: 1790785). This variant is found in the non-Finnish European population with an allele frequency of 0.01% (15/12,8534 alleles) in the Genome Aggregation Database (v2.1.1). Computational analyses predict that this variant is neutral (REVEL: 0.051). Due to limited information, the clinical significance of this variant is uncertain at this time.